The following is an entry in ClinVar:

NM_015122.3(FCHO1):c.1921C>G (p.Arg641Gly)

Gene: FCHO1 (FCH and mu domain containing endocytic adaptor 1; plus strand). Cytogenetic location: 19p13.11.
Variant type: single nucleotide variant.
Coding change: c.1921C>G on transcript NM_015122.3 (MANE Select); coding-DNA position 1921, C replaced by G.
Protein change: p.Arg641Gly; replaces arginine 641 with glycine.
Molecular consequence: missense variant. On other transcripts: non-coding transcript variant (36).
Genome position (GRCh38, 1-based): chr19:17,781,804, C>G. VCF-style: chr19-17781804-C-G. GRCh37 (hg19) VCF-style: chr19-17892613-C-G.
Other names: c.1921C>G, p.Arg641Gly (NM_001161357.2, NM_001161358.2, NM_001384370.1 and 13 more transcripts); c.1771C>G, p.Arg591Gly (NM_001161359.2, NM_001384384.1, NM_001384385.1 and 1 more transcripts); c.1846C>G, p.Arg616Gly (NM_001384390.1); c.1804C>G, p.Arg602Gly (NM_001384392.1, NM_001384393.1, NM_001384394.1 and 1 more transcripts); c.1645C>G, p.Arg549Gly (NM_001384396.1, NM_001384397.1, NM_001384398.1 and 5 more transcripts); c.1882C>G, p.Arg628Gly (NM_001384388.1, NM_001384389.1, NM_001384405.1); c.1600C>G, p.Arg534Gly (NM_001384403.1); c.1495C>G, p.Arg499Gly (NM_001384406.1); and 1 more; short protein forms R499G, R549G, R591G, R534G, R616G, R628G, R641G, R602G.
Identifiers: ClinVar variation 1356783 (VCV001356783.8), dbSNP rs534109677, ClinGen allele CA404755129.

ClinVar aggregate classification (germline): Uncertain significance (1 of 4 stars; one submission).

Submission:

Labcorp Genetics (formerly Invitae), Labcorp
Classification: Uncertain significance. Last evaluated: 2022-08-19. Review status: criteria provided, single submitter. Criteria: Invitae Variant Classification Sherloc (09022015). Collection method: clinical testing. Allele origin: germline.
Comment: This variant has not been reported in the literature in individuals affected with FCHO1-related conditions. ClinVar contains an entry for this variant (Variation ID: 1356783). Algorithms developed to predict the effect of missense changes on protein structure and function are either unavailable or do not agree on the potential impact of this missense change (SIFT: "Deleterious"; PolyPhen-2: "Benign"; Align-GVGD: "Class C0"). In summary, the available evidence is currently insufficient to determine the role of this variant in disease. Therefore, it has been classified as a Variant of Uncertain Significance. This variant is not present in population databases (gnomAD no frequency). This sequence change replaces arginine, which is basic and polar, with glycine, which is neutral and non-polar, at codon 641 of the FCHO1 protein (p.Arg641Gly).